The following is an entry in ClinVar:

NM_004525.3(LRP2):c.11483A>G (p.Asp3828Gly)

Gene: LRP2 (LDL receptor related protein 2; minus strand). Cytogenetic location: 2q31.1.
Variant type: single nucleotide variant.
Coding change: c.11483A>G on transcript NM_004525.3 (MANE Select); coding-DNA position 11483, A replaced by G.
Protein change: p.Asp3828Gly; replaces aspartic acid 3828 with glycine.
Molecular consequence: missense variant.
Genome position (GRCh38, 1-based): chr2:169,169,716, T>C on the plus strand (A>G on the coding strand, the complement: LRP2 is on the minus strand). VCF-style: chr2-169169716-T-C. GRCh37 (hg19) VCF-style: chr2-170026226-T-C.
Other names: short protein forms D3828G.
Identifiers: ClinVar variation 3366773 (VCV003366773.1).

ClinVar aggregate classification (germline): Likely pathogenic (1 of 4 stars; one submission).

Conditions:
Donnai-Barrow syndrome. Also called: DBS/FOAR SYNDROME; FACIOOCULOACOUSTICORENAL SYNDROME. Identifiers: Orphanet 2143, MedGen C1857277, MONDO:0009104, OMIM 222448.

Submission:

Women's Health and Genetics/Laboratory Corporation of America, LabCorp
Classification: Likely pathogenic for Donnai-Barrow syndrome. Last evaluated: 2024-08-30. Review status: criteria provided, single submitter. Criteria: LabCorp Variant Classification Summary - May 2015. Collection method: clinical testing. Allele origin: germline.
Comment: Variant summary: LRP2 c.11483A>G (p.Asp3828Gly) results in a non-conservative amino acid change in the encoded protein sequence. Five of five in-silico tools predict a damaging effect of the variant on protein function. The variant was absent in 251362 control chromosomes. c.11483A>G has been reported in the literature in two homozygous individuals affected with features of Stickler and DonnaiBarrow syndrome (example: Schrauwen_2014). These data indicate that the variant is likely to be associated with disease. To our knowledge, no experimental evidence demonstrating an impact on protein function has been reported. The following publication has been ascertained in the context of this evaluation (PMID: 23992033). No submitters have cited clinical-significance assessments for this variant to ClinVar. Based on the evidence outlined above, the variant was classified as likely pathogenic.

Literature cited by the submitters: PubMed 23992033.